The following is an entry in ClinVar:

ClinVar aggregate classification (germline): Likely benign (1 of 4 stars; one submission).

gnomAD v4.1: 17 of 1,075,786 alleles (0.0016%); highest among the groups gnomAD compares: Middle Eastern, 0.027%; 1 homozygote.

Submission:

CeGaT Center for Human Genetics Tuebingen
Classification: Likely benign. Last evaluated: 2026-02-01. Review status: criteria provided, single submitter. Criteria: CeGaT Center For Human Genetics Tuebingen Variant Classification Criteria Version 2. Collection method: clinical testing. Allele origin: germline. Affected: yes. Observed: 1 variant allele.
Comment: KCNC3: BP4, BP7

NM_004977.3(KCNC3):c.2250C>T (p.Asn750=)

Gene: KCNC3 (potassium voltage-gated channel subfamily C member 3; minus strand). Cytogenetic location: 19q13.33.
Variant type: single nucleotide variant.
Coding change: c.2250C>T on transcript NM_004977.3 (MANE Select); coding-DNA position 2250, C replaced by T.
Protein change: p.Asn750=; no amino-acid change (asparagine 750 retained).
Molecular consequence: synonymous variant.
Genome position (GRCh38, 1-based): chr19:50,320,270, G>A on the plus strand (C>T on the coding strand, the complement: KCNC3 is on the minus strand). VCF-style: chr19-50320270-G-A. GRCh37 (hg19) VCF-style: chr19-50823527-G-A.
Other names: c.2022C>T, p.Asn674= (NM_001372305.1).
Identifiers: ClinVar variation 4821688 (VCV004821688.4).